The following is an entry in ClinVar:

ClinVar aggregate classification (germline): Uncertain significance (1 of 4 stars; one submission).

Allele frequency attached by ClinVar (database versions not stated): ExAC 0.00001.
gnomAD v4.1: 20 of 1,614,042 alleles (0.0012%); highest among the groups gnomAD compares: Non-Finnish European, 0.0017%; no homozygotes.

Submission:

Ambry Genetics
Classification: Uncertain significance. Last evaluated: 2022-04-01. Review status: criteria provided, single submitter. Criteria: Ambry Variant Classification Scheme 2023. Collection method: clinical testing. Allele origin: germline.
Comment: The p.N91K variant (also known as c.273C>G), located in coding exon 3 of the ALPK2 gene, results from a C to G substitution at nucleotide position 273. The asparagine at codon 91 is replaced by lysine, an amino acid with similar properties. This amino acid position is conserved. In addition, this alteration is predicted to be tolerated by in silico analysis. Since supporting evidence is limited at this time, the clinical significance of this alteration remains unclear.

NM_052947.4(ALPK2):c.273C>G (p.Asn91Lys)

Gene: ALPK2 (alpha kinase 2; minus strand). Cytogenetic location: 18q21.31.
Variant type: single nucleotide variant.
Coding change: c.273C>G on transcript NM_052947.4 (MANE Select); coding-DNA position 273, C replaced by G.
Protein change: p.Asn91Lys; replaces asparagine 91 with lysine.
Molecular consequence: missense variant.
Genome position (GRCh38, 1-based): chr18:58,580,503, G>C on the plus strand (C>G on the coding strand, the complement: ALPK2 is on the minus strand). VCF-style: chr18-58580503-G-C. GRCh37 (hg19) VCF-style: chr18-56247735-G-C.
Other names: short protein forms N91K.
Identifiers: ClinVar variation 1795401 (VCV001795401.2), dbSNP rs749338615, ClinGen allele CA8977478.
Genomic context (GRCh38, chr18:58,580,503, plus strand): 5'-TGGGTTCTCTGATGAGCACTCAACCTCAACGGAAGCAGAACAACAGATCATTCCAAAAGA[G>C]TTTTTAGCCGAGATTTGATAGACAGCAGCATCATTTTTGGTACAGCTAGGATGAAGAGAA-3'
Protein context (NP_443179.3, residues 81-101): DAAVYQISAK[Asn91Lys]SFGMICCSAS